The following is an entry in ClinVar:

NM_001197104.2(KMT2A):c.7499T>A (p.Val2500Asp)

Gene: KMT2A (lysine methyltransferase 2A; plus strand). Cytogenetic location: 11q23.3.
Variant type: single nucleotide variant.
Coding change: c.7499T>A on transcript NM_001197104.2 (MANE Select); coding-DNA position 7499, T replaced by A.
Protein change: p.Val2500Asp; replaces valine 2500 with aspartic acid.
Molecular consequence: missense variant.
Genome position (GRCh38, 1-based): chr11:118,503,391, T>A. VCF-style: chr11-118503391-T-A. GRCh37 (hg19) VCF-style: chr11-118374106-T-A.
Other names: c.7589T>A, p.Val2530Asp (NM_001412597.1); c.7490T>A, p.Val2497Asp (NM_005933.4); short protein forms V2530D, V2497D, V2500D.
Identifiers: ClinVar variation 2134757 (VCV002134757.4), dbSNP rs1260125287, ClinGen allele CA382805808.

ClinVar aggregate classification (germline): Uncertain significance (1 of 4 stars; one submission).

Submission:

Labcorp Genetics (formerly Invitae), Labcorp
Classification: Uncertain significance. Last evaluated: 2022-05-06. Review status: criteria provided, single submitter. Criteria: Invitae Variant Classification Sherloc (09022015). Collection method: clinical testing. Allele origin: germline.
Comment: In summary, the available evidence is currently insufficient to determine the role of this variant in disease. Therefore, it has been classified as a Variant of Uncertain Significance. Advanced modeling of protein sequence and biophysical properties (such as structural, functional, and spatial information, amino acid conservation, physicochemical variation, residue mobility, and thermodynamic stability) performed at Invitae indicates that this missense variant is not expected to disrupt KMT2A protein function. This variant has not been reported in the literature in individuals affected with KMT2A-related conditions. This variant is not present in population databases (gnomAD no frequency). This sequence change replaces valine, which is neutral and non-polar, with aspartic acid, which is acidic and polar, at codon 2500 of the KMT2A protein (p.Val2500Asp).